The following is an entry in ClinVar:

ClinVar aggregate classification (germline): not provided (0 of 4 stars; one submission).

Conditions:
Preeclampsia. Identifiers: Orphanet 275555, MedGen C0032914, MONDO:0005081, HP:0100602.

Submission:

Institute of Molecular and Cell Biology, University of Tartu
No classification provided. Condition: Preeclampsia. Review status: no classification provided. Collection method: case-control. Allele origin: unknown. Affected: yes. Study: Kasak2014.
Comment: The study aimed to determine the contribution of copy number variants in the genetic etiology of normal and complicated pregnancies. The samples represented (i) maternal blood DNA drawn from healthy pregnant women during 1st or 2nd trimester and (ii) maternal and paternal blood DNA drawn at term pregnancy cases representing normal and complicated gestations (severe preeclampsia, PE; gestational diabetes, GD; small-for-gestational age newborn, SGA; large-for-gestational age newborn, LGA). We performed CNV calling based on genome-wide genotyping dataset (Illumina HumanOmniExpress-24-v1 BeadChip) by applying three algorithms, QuantiSNP, GADA (Genome Alteration Detection Algorithm) and CNstream in parallel. The acquired CNV calls were merged with HD-CNV (Hotspot Detector for Copy Number Variants) program and only the CNVs predicted by at least two programs, were considered in subsequent analysis.

Literature cited by the submitters: PubMed 25666259.

NC_000002.11:g.89427986_91820358dup

Variant type: Duplication.
Identifiers: ClinVar variation 156795 (VCV000156795.2).